The following is an entry in ClinVar:

ClinVar aggregate classification (germline): Uncertain significance. Review status: criteria provided, multiple submitters, no conflicts (2 of 4 stars). 2 submissions from 2 submitters: Uncertain significance (2). Last evaluated 2025-06-03.

Conditions:
Inborn genetic diseases. Identifiers: MedGen C0950123, MeSH D030342.

Allele frequency attached by ClinVar (database versions not stated): gnomAD 0.00001; TOPMed 0.00008.

Submissions (2):

Ambry Genetics
Classification: Uncertain significance for Inborn genetic diseases. Last evaluated: 2025-06-03. Review status: criteria provided, single submitter. Criteria: Ambry Variant Classification Scheme 2023. Collection method: clinical testing. Allele origin: germline.

Labcorp Genetics (formerly Invitae), Labcorp
Classification: Uncertain significance. Last evaluated: 2022-08-16. Review status: criteria provided, single submitter. Criteria: Invitae Variant Classification Sherloc (09022015). Collection method: clinical testing. Allele origin: germline.
Comment: This sequence change replaces glutamic acid, which is acidic and polar, with lysine, which is basic and polar, at codon 24 of the HPS6 protein (p.Glu24Lys). This variant is present in population databases (no rsID available, gnomAD 0.02%). This variant has not been reported in the literature in individuals affected with HPS6-related conditions. Algorithms developed to predict the effect of missense changes on protein structure and function are either unavailable or do not agree on the potential impact of this missense change (SIFT: "Deleterious"; PolyPhen-2: "Possibly Damaging"; Align-GVGD: "Class C0"). In summary, the available evidence is currently insufficient to determine the role of this variant in disease. Therefore, it has been classified as a Variant of Uncertain Significance.

NM_024747.6(HPS6):c.70G>A (p.Glu24Lys)

Genes: HPS6 (HPS6 biogenesis of lysosomal organelles complex 2 subunit 3; plus strand), LOC130004578 (ATAC-STARR-seq lymphoblastoid silent region 2738; plus strand). Cytogenetic location: 10q24.32.
Variant type: single nucleotide variant.
Coding change: c.70G>A on transcript NM_024747.6 (MANE Select); coding-DNA position 70, G replaced by A.
Protein change: p.Glu24Lys; replaces glutamic acid 24 with lysine.
Molecular consequence: missense variant.
Genome position (GRCh38, 1-based): chr10:102,065,544, G>A. VCF-style: chr10-102065544-G-A. GRCh37 (hg19) VCF-style: chr10-103825301-G-A.
Other names: short protein forms E24K.
Identifiers: ClinVar variation 2169322 (VCV002169322.3), dbSNP rs1275293066, ClinGen allele CA377854036.
Genomic context (GRCh38, chr10:102,065,544, plus strand): 5'-TCGGGGACTCTGCGGCTGCTCTCGGACCTGAGCGCCTTCGGCGGCGCGGCGCGGCTCCGG[G>A]AGCTGGTGGCCGGGGACTCAGCGGTCCGAGTCCGTGGCAGTCCGGACGGCCGCCACTTGC-3'
Protein context (NP_079023.2, residues 14-34): SAFGGAARLR[Glu24Lys]LVAGDSAVRV